The following is an entry in ClinVar:

NM_001369268.1(ACAN):c.6871G>A (p.Gly2291Arg)

Gene: ACAN (aggrecan; plus strand). Cytogenetic location: 15q26.1.
Variant type: single nucleotide variant.
Coding change: c.6871G>A on transcript NM_001369268.1 (MANE Select); coding-DNA position 6871, G replaced by A.
Protein change: p.Gly2291Arg; replaces glycine 2291 with arginine.
Molecular consequence: missense variant. On other transcripts: intron variant (3).
Genome position (GRCh38, 1-based): chr15:88,860,364, G>A. VCF-style: chr15-88860364-G-A. GRCh37 (hg19) VCF-style: chr15-89403595-G-A.
Other names: c.6871G>A, p.Gly2291Arg (NM_013227.4); c.6832+947G>A (NM_001411097.1, NM_001411096.1, NM_001135.4); short protein forms G2291R.
Identifiers: ClinVar variation 2970990 (VCV002970990.3), dbSNP rs1169742258, ClinGen allele CA393728161.

ClinVar aggregate classification (germline): Uncertain significance (1 of 4 stars; one submission).

Allele frequency attached by ClinVar (database versions not stated): TOPMed below 0.00001; gnomAD 0.00001; gnomAD exomes 0.00001.
gnomAD v4.1: 13 of 1,613,264 alleles (0.00081%); highest among the groups gnomAD compares: Non-Finnish European, 0.00093%; no homozygotes.

Submission:

Labcorp Genetics (formerly Invitae), Labcorp
Classification: Uncertain significance. Last evaluated: 2024-01-29. Review status: criteria provided, single submitter. Criteria: Invitae Variant Classification Sherloc (09022015). Collection method: clinical testing. Allele origin: germline.
Comment: This sequence change replaces glycine, which is neutral and non-polar, with arginine, which is basic and polar, at codon 2291 of the ACAN protein (p.Gly2291Arg). This variant is present in population databases (no rsID available, gnomAD 0.0008%). This variant has not been reported in the literature in individuals affected with ACAN-related conditions. An algorithm developed to predict the effect of missense changes on protein structure and function (PolyPhen-2) suggests that this variant is likely to be disruptive. In summary, the available evidence is currently insufficient to determine the role of this variant in disease. Therefore, it has been classified as a Variant of Uncertain Significance.